The following is an entry in ClinVar:

ClinVar aggregate classification (germline): Uncertain significance (1 of 4 stars; one submission).

Conditions:
Myofibrillar myopathy 5. Also called: Filaminopathy (type); FILAMINOPATHY, AUTOSOMAL DOMINANT. Identifiers: Orphanet 171445, MedGen C1836050, MONDO:0012289, OMIM 609524.
Hypertrophic cardiomyopathy 26. Also called: Cardiomyopathy, familial hypertrophic, 26. Identifiers: Orphanet 75249, MedGen C4310749, MONDO:0014883, OMIM 617047.
Distal myopathy with posterior leg and anterior hand involvement. Also called: WILLIAMS DISTAL MYOPATHY. Identifiers: Orphanet 63273, MedGen C3279722, MONDO:0013550, OMIM 614065.

Submission:

Labcorp Genetics (formerly Invitae), Labcorp
Classification: Uncertain significance for Distal myopathy with posterior leg and anterior hand involvement; Myofibrillar myopathy 5; Hypertrophic cardiomyopathy 26. Last evaluated: 2025-05-27. Review status: criteria provided, single submitter. Criteria: Invitae Variant Classification Sherloc (09022015). Collection method: clinical testing. Allele origin: germline.
Comment: This sequence change falls in intron 3 of the FLNC gene. It does not directly change the encoded amino acid sequence of the FLNC protein. It affects a nucleotide within the consensus splice site. This variant is not present in population databases (gnomAD no frequency). This variant has not been reported in the literature in individuals affected with FLNC-related conditions. ClinVar contains an entry for this variant (Variation ID: 2127317). Variants that disrupt the consensus splice site are a relatively common cause of aberrant splicing (PMID: 17576681, 9536098). Algorithms developed to predict the effect of sequence changes on RNA splicing suggest that this variant may disrupt the consensus splice site. In summary, the available evidence is currently insufficient to determine the role of this variant in disease. Therefore, it has been classified as a Variant of Uncertain Significance.

Literature cited by the submitters: PubMed 17576681; PubMed 9536098.

NM_001458.5(FLNC):c.699+3_699+7del

Gene: FLNC (filamin C; plus strand). Cytogenetic location: 7q32.1.
Variant type: Deletion.
Coding change: c.699+3_699+7del on transcript NM_001458.5 (MANE Select); bases 3 to 7 of the intron after coding-DNA position 699, 5 bases deleted (ACATG; older notation c.699+3_699+7delACATG).
Molecular consequence: intron variant.
Genome position (GRCh38, 1-based): chr7:128,837,260-128,837,264, ACATG deleted. VCF-style (leftmost placement, unchanged base first): chr7-128837259-TACATG-T. GRCh37 (hg19) VCF-style: chr7-128477313-TACATG-T.
Other names: c.699+3_699+7del (NM_001127487.2).
Identifiers: ClinVar variation 2127317 (VCV002127317.4), dbSNP rs2536617747, ClinGen allele CA2580076547.